The following is an entry in ClinVar:

NM_205850.3(SLC24A5):c.1127CAG[1] (p.Ala377del)

Genes: MYEF2 (myelin expression factor 2; minus strand), SLC24A5 (solute carrier family 24 member 5; plus strand). Cytogenetic location: 15q21.1.
Variant type: Microsatellite.
Coding change: c.1127CAG[1] on transcript NM_205850.3 (MANE Select); one copy of the 3-base unit CAG starting at c.1127; the reference has two copies in a row; one copy, 3 bases deleted.
Protein change: p.Ala377del; deletes alanine 377.
Molecular consequence: inframe deletion. On other transcripts: 3 prime UTR variant (2).
Genome position (GRCh38, 1-based): chr15:48,141,164-48,141,166, CAG deleted; deleting any 3 consecutive bases within chr15:48,141,159-48,141,166 gives the same sequence; the position shown is the placement nearest the transcript's 3' end. VCF-style (leftmost placement, unchanged base first): chr15-48141158-TAGC-T. GRCh37 (hg19) VCF-style: chr15-48433355-TAGC-T.
Other names: c.*1744GCT[1] (NM_001301210.2, NM_016132.5); short protein forms A377del.
Identifiers: ClinVar variation 2097142 (VCV002097142.4), dbSNP rs2504649930, ClinGen allele CA2580612798.

ClinVar aggregate classification (germline): Uncertain significance (1 of 4 stars; one submission).

Submission:

Labcorp Genetics (formerly Invitae), Labcorp
Classification: Uncertain significance. Last evaluated: 2022-07-25. Review status: criteria provided, single submitter. Criteria: Invitae Variant Classification Sherloc (09022015). Collection method: clinical testing. Allele origin: germline.
Comment: In summary, the available evidence is currently insufficient to determine the role of this variant in disease. Therefore, it has been classified as a Variant of Uncertain Significance. Experimental studies and prediction algorithms are not available or were not evaluated, and the functional significance of this variant is currently unknown. This variant has been observed in individual(s) with clinical features of oculocutaneous albinism (Invitae). In at least one individual the data is consistent with being in trans (on the opposite chromosome) from a pathogenic variant. This variant is not present in population databases (gnomAD no frequency). This variant, c.1130_1132del, results in the deletion of 1 amino acid(s) of the SLC24A5 protein (p.Ala377del), but otherwise preserves the integrity of the reading frame.